The following is an entry in ClinVar:

NM_022356.4(P3H1):c.1569+1G>A

Gene: P3H1 (prolyl 3-hydroxylase 1; minus strand). Cytogenetic location: 1p34.2.
Variant type: single nucleotide variant.
Coding change: c.1569+1G>A on transcript NM_022356.4 (MANE Select); the canonical splice donor site of the intron after coding-DNA position 1569, G replaced by A.
Molecular consequence: splice donor variant.
Genome position (GRCh38, 1-based): chr1:42,752,273, C>T on the plus strand (G>A on the coding strand, the complement: P3H1 is on the minus strand). VCF-style: chr1-42752273-C-T. GRCh37 (hg19) VCF-style: chr1-43217944-C-T.
Other names: c.1569+1G>A (NM_001146289.2, NM_001243246.2).
Identifiers: ClinVar variation 280529 (VCV000280529.5), dbSNP rs369651701, ClinGen allele CA801797.

ClinVar aggregate classification (germline): Pathogenic/Likely pathogenic. Review status: criteria provided, multiple submitters, no conflicts (2 of 4 stars). 2 submissions from 2 submitters: Pathogenic (1); Likely pathogenic (1). Last evaluated 2023-08-17.

Conditions:
Osteogenesis imperfecta type 8 (OI8). Identifiers: MedGen C1970458, MONDO:0012581, OMIM 610915.

Allele frequency attached by ClinVar (database versions not stated): gnomAD exomes below 0.00001; TOPMed below 0.00001; ExAC 0.00001; ESP Exome Variant Server 0.00008.

Submissions (2):

Labcorp Genetics (formerly Invitae), Labcorp
Classification: Likely pathogenic for Osteogenesis imperfecta type 8. Last evaluated: 2023-08-17. Review status: criteria provided, single submitter. Criteria: Invitae Variant Classification Sherloc (09022015). Collection method: clinical testing. Allele origin: germline.
Comment: Disruption of this splice site has been observed in individual(s) with osteogenesis imperfecta (Invitae). In summary, the currently available evidence indicates that the variant is pathogenic, but additional data are needed to prove that conclusively. Therefore, this variant has been classified as Likely Pathogenic. Algorithms developed to predict the effect of sequence changes on RNA splicing suggest that this variant may disrupt the consensus splice site. ClinVar contains an entry for this variant (Variation ID: 280529). This variant is present in population databases (rs369651701, gnomAD 0.007%). This sequence change affects a donor splice site in intron 10 of the P3H1 gene. It is expected to disrupt RNA splicing. Variants that disrupt the donor or acceptor splice site typically lead to a loss of protein function (PMID: 16199547), and loss-of-function variants in P3H1 are known to be pathogenic (PMID: 17277775, 18566967, 19088120, 22281939).

GeneDx
Classification: Pathogenic. Last evaluated: 2016-04-20. Review status: criteria provided, single submitter. Criteria: GeneDx Variant Classification (06012015). Collection method: clinical testing. Allele origin: germline. Affected: yes.
Comment: The c.1569+1G>A pathogenic variant in the LEPRE1 gene has not been reported previously as a pathogenic variant nor as a benign variant, to our knowledge. This splice site variant destroys the canonical splice donor site in intron 10. It is predicted to cause abnormal gene splicing, either leading to an abnormal message that is subject to nonsense-mediated mRNA decay, or to an abnormal protein product if the message is used for protein translation. The c.1569+1G>A variant was not observed at any significant frequency in approximately 6500 individuals of European and African American ancestry in the NHLBI Exome Sequencing Project, indicating it is not a common benign variant in these populations. We interpret c.1569+1G>A as a pathogenic variant.

Literature cited by the submitters: PubMed 16199547 (cited by Labcorp Genetics (formerly Invitae), Labcorp); PubMed 17277775 (cited by Labcorp Genetics (formerly Invitae), Labcorp); PubMed 18566967 (cited by Labcorp Genetics (formerly Invitae), Labcorp); PubMed 19088120 (cited by Labcorp Genetics (formerly Invitae), Labcorp); PubMed 22281939 (cited by Labcorp Genetics (formerly Invitae), Labcorp).